The following is an entry in ClinVar:

NM_001144967.3(NEDD4L):c.1328G>A (p.Arg443Gln)

Gene: NEDD4L (NEDD4 like E3 ubiquitin protein ligase; plus strand). Cytogenetic location: 18q21.31.
Variant type: single nucleotide variant.
Coding change: c.1328G>A on transcript NM_001144967.3 (MANE Select); coding-DNA position 1328, G replaced by A.
Protein change: p.Arg443Gln; replaces arginine 443 with glutamine.
Molecular consequence: missense variant.
Genome position (GRCh38, 1-based): chr18:58,341,748, G>A. VCF-style: chr18-58341748-G-A. GRCh37 (hg19) VCF-style: chr18-56008980-G-A.
Other names: c.965G>A, p.Arg322Gln (NM_001144964.1, NM_001144965.2, NM_001144966.3); c.1304G>A, p.Arg435Gln (NM_001144968.2); c.1244G>A, p.Arg415Gln (NM_001144969.2); c.905G>A, p.Arg302Gln (NM_001144970.3, NM_001144971.2); c.1136G>A, p.Arg379Gln (NM_001243960.2); c.1268G>A, p.Arg423Gln (NM_015277.6); short protein forms R435Q, R443Q, R302Q, R322Q, R415Q, R379Q, R423Q.
Identifiers: ClinVar variation 3686101 (VCV003686101.2).

ClinVar aggregate classification (germline): Uncertain significance (1 of 4 stars; one submission).

Submission:

Labcorp Genetics (formerly Invitae), Labcorp
Classification: Uncertain significance. Last evaluated: 2024-04-05. Review status: criteria provided, single submitter. Criteria: Invitae Variant Classification Sherloc (09022015). Collection method: clinical testing. Allele origin: germline.
Comment: This sequence change replaces arginine, which is basic and polar, with glutamine, which is neutral and polar, at codon 423 of the NEDD4L protein (p.Arg423Gln). This variant is not present in population databases (gnomAD no frequency). This variant has not been reported in the literature in individuals affected with NEDD4L-related conditions. An algorithm developed to predict the effect of missense changes on protein structure and function (PolyPhen-2) suggests that this variant is likely to be tolerated. In summary, the available evidence is currently insufficient to determine the role of this variant in disease. Therefore, it has been classified as a Variant of Uncertain Significance.